The following is an entry in ClinVar:

ClinVar aggregate classification (germline): Pathogenic/Likely pathogenic. Review status: criteria provided, multiple submitters, no conflicts (2 of 4 stars). 6 submissions from 6 submitters: Pathogenic (3); Likely pathogenic (2). 1 of the submissions does not count toward it. Last evaluated 2025-10-10.

Conditions:
Hyperornithinemia. Also called: Ornithinemia. Identifiers: MedGen C0599035, HP:0012026.
Ornithine aminotransferase deficiency (GACR). Also called: OAT DEFICIENCY; Ornithine ketoacid aminotransferase deficiency; Gyrate atrophy; Gyrate atrophy of choroid and retina; Girate atrophy of the retina; HYPERORNITHINEMIA WITH GYRATE ATROPHY OF CHOROID AND RETINA. Identifiers: Orphanet 414, MedGen C0018425, MONDO:0009796, OMIM 258870.
Gyrate atrophy of choroid and retina with pyridoxine-responsive ornithinemia. Identifiers: MedGen C4017305.

Allele frequency attached by ClinVar (database versions not stated): gnomAD 0.00001; gnomAD exomes 0.00002 and 0.00001; ExAC 0.00001.
gnomAD v4.1: 20 of 1,613,936 alleles (0.0012%); highest among the groups gnomAD compares: Non-Finnish European, 0.0015%; no homozygotes.

Submissions (6):

Natera, Inc.
Classification: Likely pathogenic for Gyrate atrophy. Last evaluated: 2025-10-10. Review status: criteria provided, single submitter. Criteria: Natera Variant Classification Schema (03/2026). Collection method: clinical testing. Allele origin: germline.
Comment: The c.677C>T variant in OAT is a missense variant predicted to cause substitution of alanine to valine at amino acid 226. This variant is rare in the general population with a frequency below the threshold expected for the associated phenotype(s). This variant has been observed in one or more individuals affected with the associated recessive disease, as either homozygous or compound heterozygous with a second variant (PMID: 7887415, 1427882, 39644342). Functional studies show that this variant may disrupt protein function (PMID: 7887415). Computational prediction algorithms indicate this variant is likely to affect gene or protein function. Given the available evidence, this variant is classified as Likely Pathogenic.

Labcorp Genetics (formerly Invitae), Labcorp
Classification: Pathogenic for Ornithine aminotransferase deficiency. Last evaluated: 2024-08-14. Review status: criteria provided, single submitter. Criteria: Invitae Variant Classification Sherloc (09022015). Collection method: clinical testing. Allele origin: germline.
Comment: This sequence change replaces alanine, which is neutral and non-polar, with valine, which is neutral and non-polar, at codon 226 of the OAT protein (p.Ala226Val). This variant is present in population databases (rs121965059, gnomAD 0.004%). This missense change has been observed in individual(s) with gyrate atrophy (PMID: 1427882, 7887415). In at least one individual the data is consistent with being in trans (on the opposite chromosome) from a pathogenic variant. ClinVar contains an entry for this variant (Variation ID: 181). Invitae Evidence Modeling of protein sequence and biophysical properties (such as structural, functional, and spatial information, amino acid conservation, physicochemical variation, residue mobility, and thermodynamic stability) has been performed for this missense variant. However, the output from this modeling did not meet the statistical confidence thresholds required to predict the impact of this variant on OAT protein function. Experimental studies have shown that this missense change affects OAT function (PMID: 7887415, 23076989). For these reasons, this variant has been classified as Pathogenic.

Fulgent Genetics
Classification: Likely pathogenic for Ornithine aminotransferase deficiency. Last evaluated: 2024-05-22. Review status: criteria provided, single submitter. Criteria: ACMG Guidelines, 2015. Collection method: clinical testing. Allele origin: germline.

Women's Health and Genetics/Laboratory Corporation of America, LabCorp
Classification: Pathogenic for Hyperornithinemia. Last evaluated: 2024-05-20. Review status: criteria provided, single submitter. Criteria: LabCorp Variant Classification Summary - May 2015. Collection method: clinical testing. Allele origin: germline.
Comment: Variant summary: OAT c.677C>T (p.Ala226Val) results in a non-conservative amino acid change in the encoded protein sequence. Four of five in-silico tools predict a damaging effect of the variant on protein function. The variant allele was found at a frequency of 1.6e-05 in 251464 control chromosomes. c.677C>T has been reported in the literature in the compound heterozygous or homozygous state in multiple individuals affected with Ornithine Aminotransferase Deficiency, including in trans with a pathogenic variant in at least 1 affected patient (example, Michaud_1995, Park_1992). These data indicate that the variant is likely to be associated with disease. Multiple publications found reduced or eliminated protein expression and/or enzymatic activity in patient-derived cells or when the variant protein was expressed in vitro (example, Doimo_2013, Michaud_1995, Meyer_2011). The following publications have been ascertained in the context of this evaluation (PMID: 23076989, 21678528, 7887415, 1427882). ClinVar contains an entry for this variant (Variation ID: 181). Based on the evidence outlined above, the variant was classified as pathogenic.

Baylor Genetics
Classification: Pathogenic for Ornithine aminotransferase deficiency. Last evaluated: 2023-08-07. Review status: criteria provided, single submitter. Criteria: ACMG Guidelines, 2015. Collection method: clinical testing. Allele origin: unknown.

OMIM
Classification: Pathogenic for GYRATE ATROPHY OF CHOROID AND RETINA WITH PYRIDOXINE-RESPONSIVE ORNITHINEMIA. Last evaluated: 1995-03-01. Review status: no assertion criteria provided. Collection method: literature only. Allele origin: germline. Not counted in ClinVar's aggregate classification.

Literature cited by the submitters: PubMed 7887415 (cited by 4 submitters); PubMed 1427882 (cited by 3 submitters); PubMed 39644342 (cited by Natera, Inc.); PubMed 23076989 (cited by Labcorp Genetics (formerly Invitae), Labcorp and Women's Health and Genetics/Laboratory Corporation of America, LabCorp); PubMed 21678528 (cited by Women's Health and Genetics/Laboratory Corporation of America, LabCorp).

NM_000274.4(OAT):c.677C>T (p.Ala226Val)

Genes: OAT (ornithine aminotransferase; minus strand), LOC121815974 (Sharpr-MPRA regulatory region 15365; plus strand). Cytogenetic location: 10q26.13.
Variant type: single nucleotide variant.
Coding change: c.677C>T on transcript NM_000274.4 (MANE Select); coding-DNA position 677, C replaced by T.
Protein change: p.Ala226Val; replaces alanine 226 with valine.
Molecular consequence: missense variant.
Genome position (GRCh38, 1-based): chr10:124,403,892, G>A on the plus strand (C>T on the coding strand, the complement: OAT is on the minus strand). VCF-style: chr10-124403892-G-A. GRCh37 (hg19) VCF-style: chr10-126092461-G-A.
Other names: c.263C>T, p.Ala88Val (NM_001171814.2); c.677C>T, p.Ala226Val (NM_001322965.2, NM_001322966.2, NM_001322967.2 and 3 more transcripts); c.356C>T, p.Ala119Val (NM_001322971.2); c.77C>T, p.Ala26Val (NM_001322974.2); short protein forms A226V, A88V, A119V, A26V.
Identifiers: ClinVar variation 181 (VCV000000181.13), dbSNP rs121965059, ClinGen allele CA114014.